The following is an entry in ClinVar:

ClinVar aggregate classification (germline): Benign/Likely benign. Review status: criteria provided, multiple submitters, no conflicts (2 of 4 stars). 10 submissions from 10 submitters: Benign (2); Likely benign (7). 1 of the submissions does not count toward it. Last evaluated 2026-01-30.

Conditions:
PLOD1-related disorder. Also called: PLOD1-related condition.
Familial thoracic aortic aneurysm and aortic dissection (TAAD). Also called: Thoracic aortic aneurysms and dissections. Identifiers: Orphanet 91387, MedGen C4707243, MONDO:0019625.
Ehlers-Danlos syndrome, kyphoscoliotic type 1 (EDSKSCL1). Also called: Ehlers-Danlos syndrome, hydroxylysine-deficient; PLOD1-Related Kyphoscoliotic Ehlers-Danlos Syndrome; EHLERS-DANLOS SYNDROME, TYPE VIA; EHLERS-DANLOS SYNDROME, OCULAR-SCOLIOTIC TYPE. Identifiers: Orphanet 1900, MedGen C0268342, MONDO:0016002, OMIM 225400. Disease mechanism: loss of function.

Allele frequency attached by ClinVar (database versions not stated): ESP Exome Variant Server 0.00008; gnomAD 0.00030 and 0.00040; TOPMed 0.00040; gnomAD exomes 0.00042 and 0.00083; ExAC 0.00088; 1000 Genomes Project 0.00120; 1000 Genomes Project 30x 0.00125.
gnomAD v4.1: 683 of 1,613,106 alleles (0.042%); highest among the groups gnomAD compares: East Asian, 0.71%; 2 homozygotes.

Submissions (10):

Labcorp Genetics (formerly Invitae), Labcorp
Classification: Likely benign for Ehlers-Danlos syndrome, kyphoscoliotic type 1. Last evaluated: 2026-01-30. Review status: criteria provided, single submitter. Criteria: Invitae Variant Classification Sherloc (09022015). Collection method: clinical testing. Allele origin: germline.

Blueprint Genetics
Classification: Likely benign. Last evaluated: 2024-10-23. Review status: criteria provided, single submitter. Criteria: ACMG Guidelines, 2015. Collection method: clinical testing. Allele origin: germline.

CeGaT Center for Human Genetics Tuebingen
Classification: Likely benign. Last evaluated: 2024-08-01. Review status: criteria provided, single submitter. Criteria: CeGaT Center For Human Genetics Tuebingen Variant Classification Criteria Version 2. Collection method: clinical testing. Allele origin: germline. Affected: yes. Observed: 2 variant alleles.
Comment: PLOD1: BS2

Women's Health and Genetics/Laboratory Corporation of America, LabCorp
Classification: Likely benign. Last evaluated: 2024-01-02. Review status: criteria provided, single submitter. Criteria: LabCorp Variant Classification Summary - May 2015. Collection method: clinical testing. Allele origin: germline.
Comment: Variant summary: PLOD1 c.1495C>T (p.Arg499Trp) results in a non-conservative amino acid change in the encoded protein sequence. Five of five in-silico tools predict a damaging effect of the variant on protein function. The variant allele was found at a frequency of 0.00083 in 251170 control chromosomes, predominantly at a frequency of 0.0064 within the East Asian subpopulation in the gnomAD database, including 1 homozygotes. The observed variant frequency within East Asian control individuals in the gnomAD database is approximately 4.048 fold of the estimated maximal expected allele frequency for a pathogenic variant in PLOD1 causing Ehlers-Danlos Syndrome Type VI phenotype (0.0016), strongly suggesting that the variant is a benign polymorphism found primarily in populations of East Asian origin. c.1495C>T has been reported in the literature in individuals affected with TAD who also carried a pathogenic FBN1 variant (Gago-Diaz_2017). These report(s) do not provide unequivocal conclusions about association of the variant with Ehlers-Danlos Syndrome Type VI. To our knowledge, no experimental evidence demonstrating an impact on protein function has been reported. Four submitters have cited clinical-significance assessments for this variant to ClinVar after 2014. All submitters classified the variant as benign/likely benign. Based on the evidence outlined above, the variant was classified as likely benign.

Mayo Clinic Laboratories, Mayo Clinic
Classification: Benign. Last evaluated: 2022-12-07. Review status: criteria provided, single submitter. Criteria: ACMG Guidelines, 2015. Collection method: clinical testing. Allele origin: germline. Observed: 5 variant alleles.
Comment: BS1, BS2

GeneDx
Classification: Likely benign. Last evaluated: 2018-06-12. Review status: criteria provided, single submitter. Criteria: GeneDx Variant Classification (06012015). Collection method: clinical testing. Allele origin: germline. Affected: yes.
Comment: This variant is considered likely benign or benign based on one or more of the following criteria: it is a conservative change, it occurs at a poorly conserved position in the protein, it is predicted to be benign by multiple in silico algorithms, and/or has population frequency not consistent with disease.

Illumina Laboratory Services, Illumina
Classification: Likely benign for Ehlers-Danlos syndrome, kyphoscoliotic type 1. Last evaluated: 2018-01-13. Review status: criteria provided, single submitter. Criteria: ICSL Variant Classification Criteria 13 December 2019. Collection method: clinical testing. Allele origin: germline.
Comment: This variant was observed in the ICSL laboratory as part of a predisposition screen in an ostensibly healthy population. It had not been previously curated by ICSL or reported in the Human Gene Mutation Database (HGMD: prior to June 1st, 2018), and was therefore a candidate for classification through an automated scoring system. Utilizing variant allele frequency, disease prevalence and penetrance estimates, and inheritance mode, an automated score was calculated to assess if this variant is too frequent to cause the disease. Based on the score and internal cut-off values, a variant classified as likely benign is not then subjected to further curation. The score for this variant resulted in a classification of likely benign for this disease.

Ambry Genetics
Classification: Benign for Familial thoracic aortic aneurysm and aortic dissection. Last evaluated: 2017-10-23. Review status: criteria provided, single submitter. Criteria: Ambry Variant Classification Scheme 2023. Collection method: clinical testing. Allele origin: germline.

Breakthrough Genomics
Classification: Likely benign. Review status: criteria provided, single submitter. Criteria: ACMG Guidelines, 2015. Collection method: not provided. Allele origin: germline. Inheritance: Autosomal recessive inheritance. Affected: yes.

PreventionGenetics, part of Exact Sciences
Classification: Likely benign for PLOD1-related condition. Last evaluated: 2019-07-30. Review status: no assertion criteria provided. Collection method: clinical testing. Allele origin: germline. Not counted in ClinVar's aggregate classification.
Comment: This variant is classified as likely benign based on ACMG/AMP sequence variant interpretation guidelines (Richards et al. 2015 PMID: 25741868, with internal and published modifications).

Literature cited by the submitters: PubMed 28391405 (cited by Women's Health and Genetics/Laboratory Corporation of America, LabCorp).

NM_000302.4(PLOD1):c.1495C>T (p.Arg499Trp)

Gene: PLOD1 (procollagen-lysine,2-oxoglutarate 5-dioxygenase 1; plus strand). Cytogenetic location: 1p36.22.
Variant type: single nucleotide variant.
Coding change: c.1495C>T on transcript NM_000302.4 (MANE Select); coding-DNA position 1495, C replaced by T.
Protein change: p.Arg499Trp; replaces arginine 499 with tryptophan.
Molecular consequence: missense variant.
Genome position (GRCh38, 1-based): chr1:11,965,504, C>T. VCF-style: chr1-11965504-C-T. GRCh37 (hg19) VCF-style: chr1-12025561-C-T.
Other names: p.Arg499Trp; c.1636C>T, p.Arg546Trp (NM_001316320.2); short protein forms R499W, R546W.
Identifiers: ClinVar variation 292304 (VCV000292304.47), dbSNP rs149124387, ClinGen allele CA598429.
Genomic context (GRCh38, chr1:11,965,504, plus strand): 5'-GGGGAGCGCCTCTTCCACCGGGCCTGTCCTCCCCAGGATGTGTTCATGTTCCTGACCAAC[C>T]GGCACACCCTTGGCCATCTGCTCTCCCTAGACAGCTACCGCACCACCCACCTGCACAACG-3'
Protein context (NP_000293.2, residues 489-509): QQDVFMFLTN[Arg499Trp]HTLGHLLSLD